The following is an entry in ClinVar:

ClinVar aggregate classification (germline): Uncertain significance (1 of 4 stars; one submission).

Submission:

GeneDx
Classification: Uncertain significance. Last evaluated: 2023-11-12. Review status: criteria provided, single submitter. Criteria: GeneDx Variant Classification Process June 2021. Collection method: clinical testing. Allele origin: germline. Affected: yes.
Comment: Not observed at significant frequency in large population cohorts (gnomAD); In silico analysis supports that this missense variant has a deleterious effect on protein structure/function; Has not been previously published as pathogenic or benign to our knowledge

NM_001206744.2(TPO):c.1333C>T (p.His445Tyr)

Gene: TPO (thyroid peroxidase; plus strand). Cytogenetic location: 2p25.3.
Variant type: single nucleotide variant.
Coding change: c.1333C>T on transcript NM_001206744.2 (MANE Select); coding-DNA position 1333, C replaced by T.
Protein change: p.His445Tyr; replaces histidine 445 with tyrosine.
Molecular consequence: missense variant. On other transcripts: intron variant (1).
Genome position (GRCh38, 1-based): chr2:1,477,599, C>T. VCF-style: chr2-1477599-C-T. GRCh37 (hg19) VCF-style: chr2-1481371-C-T.
Other names: c.1333C>T, p.His445Tyr (NM_000547.6, NM_001206745.2, NM_175719.4 and 1 more transcripts); c.820-6997C>T (NM_175722.3); short protein forms H445Y.
Identifiers: ClinVar variation 3364171 (VCV003364171.1).
Genomic context (GRCh38, chr2:1,477,599, plus strand): 5'-AATGCGCACTGGAGCGCGGACGCCGTGTACCAGGAGGCGCGCAAGGTCGTGGGCGCTCTG[C>T]ACCAGGTGCGCGGGGTGGTCCTGGGCGCCCTGGGTGGCTGCGGGCAAAGCGGGGGGCGCC-3'
Protein context (NP_001193673.1, residues 435-455): QEARKVVGAL[His445Tyr]QIITLRDYIP